The following is an entry in ClinVar:

ClinVar aggregate classification (germline): Uncertain significance (1 of 4 stars; one submission).

Conditions:
Cardiovascular phenotype. Identifiers: MedGen CN230736.

gnomAD v4.1: 4 of 1,614,056 alleles (0.00025%); highest among the groups gnomAD compares: Non-Finnish European, 0.00034%; no homozygotes.

Submission:

Ambry Genetics
Classification: Uncertain significance for Cardiovascular phenotype. Last evaluated: 2026-01-02. Review status: criteria provided, single submitter. Criteria: Ambry Variant Classification Scheme 2023. Collection method: clinical testing. Allele origin: germline.
Comment: The p.Q323H variant (also known as c.969G>C), located in coding exon 8 of the ABCG5 gene, results from a G to C substitution at nucleotide position 969. The glutamine at codon 323 is replaced by histidine, an amino acid with highly similar properties. This amino acid position is conserved. In addition, this alteration is predicted to be tolerated by in silico analysis. Based on the available evidence, the clinical significance of this variant remains unclear.

NM_022436.3(ABCG5):c.969G>C (p.Gln323His)

Genes: ABCG5 (ATP binding cassette subfamily G member 5; minus strand), DYNC2LI1 (dynein cytoplasmic 2 light intermediate chain 1; plus strand). Cytogenetic location: 2p21.
Variant type: single nucleotide variant.
Coding change: c.969G>C on transcript NM_022436.3 (MANE Select); coding-DNA position 969, G replaced by C.
Protein change: p.Gln323His; replaces glutamine 323 with histidine.
Molecular consequence: missense variant. On other transcripts: intron variant (2).
Genome position (GRCh38, 1-based): chr2:43,824,368, C>G on the plus strand (G>C on the coding strand, the complement: ABCG5 is on the minus strand). VCF-style: chr2-43824368-C-G. GRCh37 (hg19) VCF-style: chr2-44051507-C-G.
Other names: c.*16-3018C>G (NM_001348913.2, NM_001348912.2); short protein forms Q323H.
Identifiers: ClinVar variation 4824026 (VCV004824026.1).